The following is an entry in ClinVar:

ClinVar aggregate classification (germline): Pathogenic. Review status: criteria provided, single submitter (1 of 4 stars). 2 submissions from 2 submitters: Pathogenic (1). 1 of the submissions does not count toward it. Last evaluated 2021-03-01.

Conditions:
Marfan syndrome (MFS). Also called: Marfan syndrome type 1; Marfan syndrome, classic; Marfan's syndrome; FBN1-Related Marfan Syndrome; MARFAN SYNDROME, TYPE I. Identifiers: Orphanet 284963, Orphanet 558, MedGen C0024796, MONDO:0007947, OMIM 154700.

Submissions (2):

Centre of Medical Genetics, University of Antwerp
Classification: Pathogenic for Marfan syndrome. Last evaluated: 2021-03-01. Review status: criteria provided, single submitter. Criteria: Submitter's publication. Collection method: research. Allele origin: unknown. Affected: yes.
Comment: PM2, PVS1, PP4

Center for Medical Genetics Ghent, University of Ghent
Classification: Likely pathogenic for Marfan syndrome. Last evaluated: 2017-11-07. Review status: no assertion criteria provided. Collection method: clinical testing. Allele origin: germline. Affected: yes. Not counted in ClinVar's aggregate classification.

NM_000138.5(FBN1):c.5857dup (p.Ser1953fs)

Gene: FBN1 (fibrillin 1; minus strand). Cytogenetic location: 15q21.1.
Variant type: Duplication.
Coding change: c.5857dup on transcript NM_000138.5 (MANE Select); coding-DNA position 5857, one base duplicated (T; older notation c.5857dupT).
Protein change: p.Ser1953fs; shifts the reading frame from serine 1953.
Molecular consequence: frameshift variant.
Genome position (GRCh38, 1-based): chr15:48,445,436, A duplicated on the plus strand (T on the coding strand, the reverse complement: FBN1 is on the minus strand). VCF-style (leftmost placement, unchanged base first): chr15-48445435-G-GA. GRCh37 (hg19) VCF-style: chr15-48737632-G-GA.
Other names: short protein forms S1953fs.
Identifiers: ClinVar variation 549311 (VCV000549311.18), dbSNP rs1555395757, ClinGen allele CA658824294.